The following is an entry in ClinVar:

ClinVar aggregate classification (germline): Uncertain significance (1 of 4 stars; one submission).

Allele frequency attached by ClinVar (database versions not stated): gnomAD exomes below 0.00001.
gnomAD v4.1: 1 of 1,614,104 alleles (0.000062%); no homozygotes.

Submission:

GeneDx
Classification: Uncertain significance. Last evaluated: 2022-01-12. Review status: criteria provided, single submitter. Criteria: GeneDx Variant Classification Process June 2021. Collection method: clinical testing. Allele origin: germline. Affected: yes.
Comment: Not observed at significant frequency in large population cohorts (gnomAD); In silico analysis supports that this missense variant has a deleterious effect on protein structure/function; Has not been previously published as pathogenic or benign to our knowledge

NM_024408.4(NOTCH2):c.983A>G (p.Asn328Ser)

Gene: NOTCH2 (notch receptor 2; minus strand). Cytogenetic location: 1p12.
Variant type: single nucleotide variant.
Coding change: c.983A>G on transcript NM_024408.4 (MANE Select); coding-DNA position 983, A replaced by G.
Protein change: p.Asn328Ser; replaces asparagine 328 with serine.
Molecular consequence: missense variant.
Genome position (GRCh38, 1-based): chr1:119,969,636, T>C on the plus strand (A>G on the coding strand, the complement: NOTCH2 is on the minus strand). VCF-style: chr1-119969636-T-C. GRCh37 (hg19) VCF-style: chr1-120512259-T-C.
Other names: c.983A>G, p.Asn328Ser (NM_001200001.2); short protein forms N328S.
Identifiers: ClinVar variation 1696949 (VCV001696949.2), dbSNP rs2101148388, ClinGen allele CA341882990.
Genomic context (GRCh38, chr1:119,969,636, plus strand): 5'-GTACAGGAGGCGAAGGCACAATCATCAATGTTCTCACTGCAGTCATCTCCACTCCAGCCG[T>C]TGACACATACACAGCCATAGCCTCCATTGCGGTTGGCACAGGTGCCCCCATTTTGACAGG-3'
Protein context (NP_077719.2, residues 318-338): RNGGYGCVCV[Asn328Ser]GWSGDDCSEN